The following is an entry in ClinVar:

ClinVar aggregate classification (germline): Uncertain significance (1 of 4 stars; one submission).

Conditions:
Combined immunodeficiency due to DOCK8 deficiency (HIES2). Also called: Hyper-IgE recurrent infection syndrome, autosomal recessive; HIES autosomal recessive; HYPER-IgE SYNDROME 2, AUTOSOMAL RECESSIVE, WITH RECURRENT INFECTIONS; HYPER-IgE RECURRENT INFECTION SYNDROME 2, AUTOSOMAL RECESSIVE; DOCK8 Deficiency. Identifiers: Orphanet 217390, MedGen C4722305, MONDO:0009478, OMIM 243700.

Allele frequency attached by ClinVar (database versions not stated): TOPMed below 0.00001.
gnomAD v4.1: 1 of 1,614,138 alleles (0.000062%); highest among the groups gnomAD compares: Non-Finnish European, 0.000085%; no homozygotes.

Submission:

Labcorp Genetics (formerly Invitae), Labcorp
Classification: Uncertain significance for Combined immunodeficiency due to DOCK8 deficiency. Last evaluated: 2022-06-23. Review status: criteria provided, single submitter. Criteria: Invitae Variant Classification Sherloc (09022015). Collection method: clinical testing. Allele origin: germline.
Comment: This variant is not present in population databases (gnomAD no frequency). In summary, the available evidence is currently insufficient to determine the role of this variant in disease. Therefore, it has been classified as a Variant of Uncertain Significance. Algorithms developed to predict the effect of missense changes on protein structure and function are either unavailable or do not agree on the potential impact of this missense change (SIFT: "Deleterious"; PolyPhen-2: "Possibly Damaging"; Align-GVGD: "Class C0"). This variant has not been reported in the literature in individuals affected with DOCK8-related conditions. This sequence change replaces lysine, which is basic and polar, with methionine, which is neutral and non-polar, at codon 1655 of the DOCK8 protein (p.Lys1655Met).

NM_203447.4(DOCK8):c.4964A>T (p.Lys1655Met)

Gene: DOCK8 (dedicator of cytokinesis 8; plus strand). Cytogenetic location: 9p24.3.
Variant type: single nucleotide variant.
Coding change: c.4964A>T on transcript NM_203447.4 (MANE Select); coding-DNA position 4964, A replaced by T.
Protein change: p.Lys1655Met; replaces lysine 1655 with methionine.
Molecular consequence: missense variant.
Genome position (GRCh38, 1-based): chr9:434,860, A>T. VCF-style: chr9-434860-A-T. GRCh37 (hg19) VCF-style: chr9-434860-A-T.
Other names: c.4664A>T, p.Lys1555Met (NM_001190458.2); c.4760A>T, p.Lys1587Met (NM_001193536.2); short protein forms K1555M, K1587M, K1655M.
Identifiers: ClinVar variation 2009834 (VCV002009834.4), dbSNP rs2056842068, ClinGen allele CA372767349.